The following is an entry in ClinVar:

NM_000179.3(MSH6):c.597C>T (p.Pro199=)

Gene: MSH6 (mutS homolog 6; plus strand). Cytogenetic location: 2p16.3.
Variant type: single nucleotide variant.
Coding change: c.597C>T on transcript NM_000179.3 (MANE Select); coding-DNA position 597, C replaced by T.
Protein change: p.Pro199=; no amino-acid change (proline 199 retained).
Molecular consequence: synonymous variant. On other transcripts: 5 prime UTR variant (1), intron variant (2).
Genome position (GRCh38, 1-based): chr2:47,796,033, C>T. VCF-style: chr2-47796033-C-T. GRCh37 (hg19) VCF-style: chr2-48023172-C-T.
Other names: c.-306C>T (NM_001281494.2); c.-279-2578C>T (NM_001281493.2); c.238-2578C>T (NM_001281492.2).
Identifiers: ClinVar variation 491978 (VCV000491978.21), dbSNP rs1553411498, ClinGen allele CA425993153.

ClinVar aggregate classification (germline): Benign/Likely benign. Review status: criteria provided, multiple submitters, no conflicts (2 of 4 stars). 5 submissions from 5 submitters: Benign (1); Likely benign (3). 1 of the submissions does not count toward it. Last evaluated 2025-12-08.

Conditions:
Lynch syndrome 5 (LYNCH5). Also called: Colorectal cancer, hereditary nonpolyposis, type 5; Hereditary non-polyposis colorectal cancer, type 5. Identifiers: Orphanet 144, MedGen C1833477, MONDO:0013710, OMIM 614350. Disease mechanism: loss of function.
Hereditary cancer-predisposing syndrome. Also called: Hereditary neoplastic syndrome; Tumor predisposition; Hereditary Cancer Syndrome; Neoplastic Syndromes, Hereditary. Identifiers: Orphanet 140162, MedGen C0027672, MeSH D009386, MONDO:0015356.
Malignant tumor of breast. Also called: Malignant breast neoplasm; Cancer breast. Identifiers: MedGen C0006142, MONDO:0007254. Disease mechanism: loss of function.
Hereditary nonpolyposis colorectal neoplasms. Identifiers: MedGen C0009405, MeSH D003123.

gnomAD v4.1: 1 of 1,613,838 alleles (0.000062%); highest among the groups gnomAD compares: Non-Finnish European, 0.000085%; no homozygotes.

Submissions (5):

Labcorp Genetics (formerly Invitae), Labcorp
Classification: Likely benign for Hereditary nonpolyposis colorectal neoplasms. Last evaluated: 2025-12-08. Review status: criteria provided, single submitter. Criteria: Invitae Variant Classification Sherloc (09022015). Collection method: clinical testing. Allele origin: germline.

Myriad Genetics, Inc.
Classification: Benign for Lynch syndrome 5. Last evaluated: 2024-12-19. Review status: criteria provided, single submitter. Criteria: Myriad Autosomal Dominant, Autosomal Recessive and X-Linked Classification Criteria (2023). Collection method: clinical testing. Allele origin: unknown.
Comment: This variant is considered benign. This variant is a silent/synonymous amino acid change and it is not expected to impact splicing.

Ambry Genetics
Classification: Likely benign for Hereditary cancer-predisposing syndrome. Last evaluated: 2018-12-24. Review status: criteria provided, single submitter. Criteria: Ambry Variant Classification Scheme 2023. Collection method: clinical testing. Allele origin: germline.

Color Diagnostics, LLC DBA Color Health
Classification: Likely benign for Hereditary cancer-predisposing syndrome. Last evaluated: 2016-05-22. Review status: criteria provided, single submitter. Criteria: ACMG Guidelines, 2015. Collection method: clinical testing. Allele origin: germline.

Department of Pathology and Laboratory Medicine, Sinai Health System
Classification: Likely benign for Malignant tumor of breast. Review status: no assertion criteria provided. Collection method: clinical testing. Allele origin: unknown. Affected: yes. Observed: 1 variant allele. Study: The Canadian Open Genetics Repository (COGR). Not counted in ClinVar's aggregate classification.
Comment: The MSH6 p.Pro199= variant was not identified in the literature nor was it identified in the following databases: dbSNP, COGR, Cosmic, MutDB, UMD-LSDB, Zhejiang Colon Cancer Database, Mismatch Repair Genes Variant Database, Insight Hereditary Tumors Database. The variant was identified in ClinVar (as "likely benign" by Color Genomics) and Clinvitae (as in ClinVar). The variant was not identified in the following control databases: the 1000 Genomes Project, the NHLBI GO Exome Sequencing Project, the Exome Aggregation Consortium (August 8th 2016), or the Genome Aggregation Database (Feb 27, 2017). The p.Pro199= variant is not expected to have clinical significance because it does not result in a change of amino acid and is not located in a known consensus splice site. In addition, in silico or computational prediction software programs (SpliceSiteFinder, MaxEntScan, NNSPLICE, GeneSplicer, HumanSpliceFinder) do not predict a difference in splicing. In summary, based on the above information the clinical significance of this variant cannot be determined with certainty at this time although we would lean towards a more benign role for this variant. This variant is classified as likely benign.